The following is an entry in ClinVar:

NM_005787.6(ALG3):c.67C>T (p.Gln23Ter)

Gene: ALG3 (ALG3 alpha-1,3- mannosyltransferase; minus strand). Cytogenetic location: 3q27.1.
Variant type: single nucleotide variant.
Coding change: c.67C>T on transcript NM_005787.6 (MANE Select); coding-DNA position 67, C replaced by T.
Protein change: p.Gln23Ter; replaces glutamine 23 with a stop codon.
Molecular consequence: nonsense. On other transcripts: non-coding transcript variant (2), intron variant (1).
Genome position (GRCh38, 1-based): chr3:184,248,874, G>A on the plus strand (C>T on the coding strand, the complement: ALG3 is on the minus strand). VCF-style: chr3-184248874-G-A. GRCh37 (hg19) VCF-style: chr3-183966662-G-A.
Other names: c.52+352C>T (NM_001006941.2); short protein forms Q23*.
Identifiers: ClinVar variation 3251416 (VCV003251416.1), dbSNP rs770044637.

ClinVar aggregate classification (germline): Pathogenic (1 of 4 stars; one submission).

Conditions:
ALG3-congenital disorder of glycosylation. Also called: CONGENITAL DISORDER OF GLYCOSYLATION, TYPE Id; CDG Id; ALG3-CDG; CARBOHYDRATE-DEFICIENT GLYCOPROTEIN SYNDROME, TYPE IV; CDGS, TYPE IV. Identifiers: Orphanet 79321, MedGen C1832736, MONDO:0010998, OMIM 601110.

Allele frequency attached by ClinVar (database versions not stated): ExAC 0.00001; gnomAD 0.00001.
gnomAD v4.1: 2 of 1,606,782 alleles (0.00012%); highest among the groups gnomAD compares: Non-Finnish European, 0.00017%; no homozygotes.

Submission:

Women's Health and Genetics/Laboratory Corporation of America, LabCorp
Classification: Pathogenic for ALG3-congenital disorder of glycosylation. Last evaluated: 2024-04-09. Review status: criteria provided, single submitter. Criteria: LabCorp Variant Classification Summary - May 2015. Collection method: clinical testing. Allele origin: germline.
Comment: Variant summary: ALG3 c.67C>T (p.Gln23X) results in a premature termination codon, predicted to cause a truncation of the encoded protein or absence of the protein due to nonsense mediated decay, which are commonly known mechanisms for disease. The variant allele was found at a frequency of 4.4e-06 in 229352 control chromosomes. To our knowledge, no occurrence of c.67C>T in individuals affected with ALG3-congenital disorder of glycosylation and no experimental evidence demonstrating its impact on protein function have been reported. No submitters have cited clinical-significance assessments for this variant to ClinVar. Based on the evidence outlined above, the variant was classified as pathogenic.